The following is an entry in ClinVar:

ClinVar aggregate classification (germline): Uncertain significance (1 of 4 stars; one submission).

Conditions:
Charcot-Marie-Tooth disease dominant intermediate C (CMTDIC). Also called: CHARCOT-MARIE-TOOTH NEUROPATHY, DOMINANT INTERMEDIATE C. Identifiers: Orphanet 100045, MedGen C1842237, MONDO:0012012, OMIM 608323.

Allele frequency attached by ClinVar (database versions not stated): gnomAD exomes below 0.00001 and 0.00001; ExAC 0.00001.
gnomAD v4.1: 6 of 1,614,038 alleles (0.00037%); highest among the groups gnomAD compares: Non-Finnish European, 0.00051%; no homozygotes.

Submission:

Labcorp Genetics (formerly Invitae), Labcorp
Classification: Uncertain significance for Charcot-Marie-Tooth disease dominant intermediate C. Last evaluated: 2022-01-15. Review status: criteria provided, single submitter. Criteria: Invitae Variant Classification Sherloc (09022015). Collection method: clinical testing. Allele origin: germline.
Comment: This variant has not been reported in the literature in individuals affected with YARS-related conditions. This variant is present in population databases (rs779432834, gnomAD 0.002%). This sequence change replaces aspartic acid, which is acidic and polar, with asparagine, which is neutral and polar, at codon 294 of the YARS protein (p.Asp294Asn). ClinVar contains an entry for this variant (Variation ID: 665744). In summary, the available evidence is currently insufficient to determine the role of this variant in disease. Therefore, it has been classified as a Variant of Uncertain Significance. Algorithms developed to predict the effect of missense changes on protein structure and function are either unavailable or do not agree on the potential impact of this missense change (SIFT: "Not Available"; PolyPhen-2: "Benign"; Align-GVGD: "Not Available").

NM_003680.4(YARS1):c.880G>A (p.Asp294Asn)

Genes: YARS1 (tyrosyl-tRNA synthetase 1; minus strand), LOC126805688 (BRD4-independent group 4 enhancer GRCh37_chr1:33251929-33253128; plus strand). Cytogenetic location: 1p35.1.
Variant type: single nucleotide variant.
Coding change: c.880G>A on transcript NM_003680.4 (MANE Select); coding-DNA position 880, G replaced by A.
Protein change: p.Asp294Asn; replaces aspartic acid 294 with asparagine.
Molecular consequence: missense variant.
Genome position (GRCh38, 1-based): chr1:32,786,388, C>T on the plus strand (G>A on the coding strand, the complement: YARS1 is on the minus strand). VCF-style: chr1-32786388-C-T. GRCh37 (hg19) VCF-style: chr1-33251989-C-T.
Other names: short protein forms D294N.
Identifiers: ClinVar variation 665744 (VCV000665744.9), dbSNP rs779432834, ClinGen allele CA745065.